The following is an entry in ClinVar:

ClinVar aggregate classification (germline): Uncertain significance (1 of 4 stars; one submission).

Conditions:
Brugada syndrome 4 (BRGDA4). Identifiers: Orphanet 130, MedGen C2678477, MONDO:0012743, OMIM 611876.

Submission:

Labcorp Genetics (formerly Invitae), Labcorp
Classification: Uncertain significance for Brugada syndrome 4. Last evaluated: 2020-10-21. Review status: criteria provided, single submitter. Criteria: Invitae Variant Classification Sherloc (09022015). Collection method: clinical testing. Allele origin: germline.
Comment: This sequence change replaces methionine with lysine at codon 246 of the CACNB2 protein (p.Met246Lys). The methionine residue is highly conserved and there is a moderate physicochemical difference between methionine and lysine. This variant is not present in population databases (ExAC no frequency). This variant has not been reported in the literature in individuals with CACNB2-related conditions. Algorithms developed to predict the effect of missense changes on protein structure and function (SIFT, PolyPhen-2, Align-GVGD) all suggest that this variant is likely to be disruptive, but these predictions have not been confirmed by published functional studies and their clinical significance is uncertain. In summary, the available evidence is currently insufficient to determine the role of this variant in disease. Therefore, it has been classified as a Variant of Uncertain Significance.

NM_201596.3(CACNB2):c.899T>A (p.Met300Lys)

Gene: CACNB2 (calcium voltage-gated channel auxiliary subunit beta 2; plus strand). Cytogenetic location: 10p12.31.
Variant type: single nucleotide variant.
Coding change: c.899T>A on transcript NM_201596.3 (MANE Select); coding-DNA position 899, T replaced by A.
Protein change: p.Met300Lys; replaces methionine 300 with lysine.
Molecular consequence: missense variant.
Genome position (GRCh38, 1-based): chr10:18,518,923, T>A. VCF-style: chr10-18518923-T-A. GRCh37 (hg19) VCF-style: chr10-18807852-T-A.
Other names: c.734T>A, p.Met245Lys (NM_000724.4); c.701T>A, p.Met234Lys (NM_001167945.2); c.620T>A, p.Met207Lys (NM_001330060.2); c.755T>A, p.Met252Lys (NM_201570.3); c.815T>A, p.Met272Lys (NM_201571.4); c.743T>A, p.Met248Lys (NM_201572.4); c.737T>A, p.Met246Lys (NM_201590.3); c.785T>A, p.Met262Lys (NM_201593.3); and 1 more; short protein forms M207K, M234K, M245K, M246K, M248K, M252K, M262K, M272K.
Identifiers: ClinVar variation 1026299 (VCV001026299.8), dbSNP rs1564644091, ClinGen allele CA376061777.